The following is an entry in ClinVar:

ClinVar aggregate classification (germline): Uncertain significance. Review status: criteria provided, multiple submitters, no conflicts (2 of 4 stars). 2 submissions from 2 submitters: Uncertain significance (2). Last evaluated 2024-10-30.

Allele frequency attached by ClinVar (database versions not stated): gnomAD exomes below 0.00001 and 0.00001; ExAC 0.00001.
gnomAD v4.1: 3 of 1,613,596 alleles (0.00019%); highest among the groups gnomAD compares: Non-Finnish European, 0.00025%; no homozygotes.

Submissions (2):

Labcorp Genetics (formerly Invitae), Labcorp
Classification: Uncertain significance. Last evaluated: 2024-10-30. Review status: criteria provided, single submitter. Criteria: Invitae Variant Classification Sherloc (09022015). Collection method: clinical testing. Allele origin: germline.
Comment: This sequence change replaces methionine, which is neutral and non-polar, with threonine, which is neutral and polar, at codon 360 of the RARS2 protein (p.Met360Thr). This variant is present in population databases (rs757000569, gnomAD 0.002%). This variant has not been reported in the literature in individuals affected with RARS2-related conditions. ClinVar contains an entry for this variant (Variation ID: 1406624). Invitae Evidence Modeling of protein sequence and biophysical properties (such as structural, functional, and spatial information, amino acid conservation, physicochemical variation, residue mobility, and thermodynamic stability) indicates that this missense variant is not expected to disrupt RARS2 protein function with a negative predictive value of 95%. In summary, the available evidence is currently insufficient to determine the role of this variant in disease. Therefore, it has been classified as a Variant of Uncertain Significance.

Blueprint Genetics
Classification: Uncertain significance. Last evaluated: 2024-03-05. Review status: criteria provided, single submitter. Criteria: ACMG Guidelines, 2015. Collection method: clinical testing. Allele origin: germline.

NM_020320.5(RARS2):c.1079T>C (p.Met360Thr)

Gene: RARS2 (arginyl-tRNA synthetase 2, mitochondrial; minus strand). Cytogenetic location: 6q15.
Variant type: single nucleotide variant.
Coding change: c.1079T>C on transcript NM_020320.5 (MANE Select); coding-DNA position 1079, T replaced by C.
Protein change: p.Met360Thr; replaces methionine 360 with threonine.
Molecular consequence: missense variant. On other transcripts: non-coding transcript variant (23).
Genome position (GRCh38, 1-based): chr6:87,520,213, A>G on the plus strand (T>C on the coding strand, the complement: RARS2 is on the minus strand). VCF-style: chr6-87520213-A-G. GRCh37 (hg19) VCF-style: chr6-88229931-A-G.
Other names: c.554T>C, p.Met185Thr (NM_001318785.2, NM_001350506.2, NM_001350507.2 and 4 more transcripts); c.1079T>C, p.Met360Thr (NM_001350505.2); short protein forms M360T, M185T.
Identifiers: ClinVar variation 1406624 (VCV001406624.8), dbSNP rs757000569, ClinGen allele CA3916398.